The following is an entry in ClinVar:

ClinVar aggregate classification (germline): Uncertain significance (1 of 4 stars; one submission).

Conditions:
Aicardi-Goutieres syndrome 7 (AGS7). Identifiers: Orphanet 51, MedGen C3888244, MONDO:0014367, OMIM 615846.
Singleton-Merten syndrome 1 (SGMRT1). Also called: Widened medullary cavities of bone, aortic calcification, abnormal dentition, and muscular weakness; Syndrome of widened medullary cavities of the metacarpals and phalanges, aortic calcification and abnormal dentition. Identifiers: Orphanet 85191, MedGen C4225427, MONDO:0024535, OMIM 182250.

Allele frequency attached by ClinVar (database versions not stated): TOPMed below 0.00001; gnomAD 0.00001.
gnomAD v4.1: 1 of 1,613,042 alleles (0.000062%); highest among the groups gnomAD compares: African/African-American, 0.0013%; no homozygotes.

Submission:

Labcorp Genetics (formerly Invitae), Labcorp
Classification: Uncertain significance for Aicardi-Goutieres syndrome 7; Singleton-Merten syndrome 1. Last evaluated: 2023-04-09. Review status: criteria provided, single submitter. Criteria: Invitae Variant Classification Sherloc (09022015). Collection method: clinical testing. Allele origin: germline.
Comment: This sequence change replaces glutamic acid, which is acidic and polar, with lysine, which is basic and polar, at codon 175 of the IFIH1 protein (p.Glu175Lys). This variant is present in population databases (no rsID available, gnomAD 0.01%). This variant has not been reported in the literature in individuals affected with IFIH1-related conditions. ClinVar contains an entry for this variant (Variation ID: 2160727). Advanced modeling of protein sequence and biophysical properties (such as structural, functional, and spatial information, amino acid conservation, physicochemical variation, residue mobility, and thermodynamic stability) has been performed at Invitae for this missense variant, however the output from this modeling did not meet the statistical confidence thresholds required to predict the impact of this variant on IFIH1 protein function. In summary, the available evidence is currently insufficient to determine the role of this variant in disease. Therefore, it has been classified as a Variant of Uncertain Significance.

NM_022168.4(IFIH1):c.523G>A (p.Glu175Lys)

Gene: IFIH1 (interferon induced with helicase C domain 1; minus strand). Cytogenetic location: 2q24.2.
Variant type: single nucleotide variant.
Coding change: c.523G>A on transcript NM_022168.4 (MANE Select); coding-DNA position 523, G replaced by A.
Protein change: p.Glu175Lys; replaces glutamic acid 175 with lysine.
Molecular consequence: missense variant.
Genome position (GRCh38, 1-based): chr2:162,310,864, C>T on the plus strand (G>A on the coding strand, the complement: IFIH1 is on the minus strand). VCF-style: chr2-162310864-C-T. GRCh37 (hg19) VCF-style: chr2-163167374-C-T.
Other names: short protein forms E175K.
Identifiers: ClinVar variation 2160727 (VCV002160727.4), dbSNP rs1298464553, ClinGen allele CA349011374.